The following is an entry in ClinVar:

NM_212482.4(FN1):c.4549G>A (p.Val1517Ile)

Gene: FN1 (fibronectin 1; minus strand). Cytogenetic location: 2q35.
Variant type: single nucleotide variant.
Coding change: c.4549G>A on transcript NM_212482.4 (MANE Select); coding-DNA position 4549, G replaced by A.
Protein change: p.Val1517Ile; replaces valine 1517 with isoleucine.
Molecular consequence: missense variant.
Genome position (GRCh38, 1-based): chr2:215,386,752, C>T on the plus strand (G>A on the coding strand, the complement: FN1 is on the minus strand). VCF-style: chr2-215386752-C-T. GRCh37 (hg19) VCF-style: chr2-216251475-C-T.
Other names: c.4549G>A, p.Val1517Ile (NM_001306129.2, NM_001306130.2, NM_001365517.2 and 3 more transcripts); c.4276G>A, p.Val1426Ile (NM_001306131.2, NM_001306132.2, NM_001365518.2 and 7 more transcripts); short protein forms V1426I, V1517I.
Identifiers: ClinVar variation 4721800 (VCV004721800.1).

ClinVar aggregate classification (germline): Uncertain significance (1 of 4 stars; one submission).

gnomAD v4.1: 1 of 1,613,798 alleles (0.000062%); highest among the groups gnomAD compares: Non-Finnish European, 0.000085%; no homozygotes.

Submission:

Labcorp Genetics (formerly Invitae), Labcorp
Classification: Uncertain significance. Last evaluated: 2025-06-22. Review status: criteria provided, single submitter. Criteria: Invitae Variant Classification Sherloc (09022015). Collection method: clinical testing. Allele origin: germline.
Comment: This sequence change replaces valine, which is neutral and non-polar, with isoleucine, which is neutral and non-polar, at codon 1517 of the FN1 protein (p.Val1517Ile). This variant is not present in population databases (gnomAD no frequency). This variant has not been reported in the literature in individuals affected with FN1-related conditions. An algorithm developed to predict the effect of missense changes on protein structure and function outputs the following: PolyPhen-2: "Benign". The isoleucine amino acid residue is found in multiple mammalian species, which suggests that this missense change does not adversely affect protein function. In summary, the available evidence is currently insufficient to determine the role of this variant in disease. Therefore, it has been classified as a Variant of Uncertain Significance.